The following is an entry in ClinVar:

ClinVar aggregate classification (germline): Uncertain significance (1 of 4 stars; one submission).

Submission:

GeneDx
Classification: Uncertain significance. Last evaluated: 2026-02-19. Review status: criteria provided, single submitter. Criteria: GeneDx Variant Classification Process June 2021. Collection method: clinical testing. Allele origin: germline.
Comment: Not observed at significant frequency in large population cohorts (gnomAD); In silico analysis supports that this missense variant has a deleterious effect on protein structure/function; Has not been previously published as pathogenic or benign to our knowledge

NM_003482.4(KMT2D):c.15805G>A (p.Glu5269Lys)

Gene: KMT2D (lysine methyltransferase 2D; minus strand). Cytogenetic location: 12q13.12.
Variant type: single nucleotide variant.
Coding change: c.15805G>A on transcript NM_003482.4 (MANE Select); coding-DNA position 15805, G replaced by A.
Protein change: p.Glu5269Lys; replaces glutamic acid 5269 with lysine.
Molecular consequence: missense variant.
Genome position (GRCh38, 1-based): chr12:49,024,926, C>T on the plus strand (G>A on the coding strand, the complement: KMT2D is on the minus strand). VCF-style: chr12-49024926-C-T. GRCh37 (hg19) VCF-style: chr12-49418709-C-T.
Other names: short protein forms E5269K.
Identifiers: ClinVar variation 5009738 (VCV005009738.1).
Genomic context (GRCh38, chr12:49,024,926, plus strand): 5'-TCAGATACTCAGGGAAGAGTCGCAGCATGTCAGCCTCTTTTCTCATGGCAGCCACAGGCT[C>T]AATGATGCGATTCCACACGGCTAAGAAGCAGGGAAGAGAGCAGTCCTCAGAGGCAACTTC-3'
Protein context (NP_003473.3, residues 5259-5279): SPQAVWNRII[Glu5269Lys]PVAAMRKEAD